The following is an entry in ClinVar:

NM_002609.4(PDGFRB):c.1726G>A (p.Gly576Ser)

Gene: PDGFRB (platelet derived growth factor receptor beta; minus strand). Cytogenetic location: 5q32.
Variant type: single nucleotide variant.
Coding change: c.1726G>A on transcript NM_002609.4 (MANE Select); coding-DNA position 1726, G replaced by A.
Protein change: p.Gly576Ser; replaces glycine 576 with serine.
Molecular consequence: missense variant.
Genome position (GRCh38, 1-based): chr5:150,125,526, C>T on the plus strand (G>A on the coding strand, the complement: PDGFRB is on the minus strand). VCF-style: chr5-150125526-C-T. GRCh37 (hg19) VCF-style: chr5-149505089-C-T.
Other names: c.1534G>A, p.Gly512Ser (NM_001355016.2); c.1243G>A, p.Gly415Ser (NM_001355017.2); short protein forms G415S, G512S, G576S.
Identifiers: ClinVar variation 3747911 (VCV003747911.2).
Genomic context (GRCh38, chr5:150,125,526, plus strand): 5'-GCAGCTCCCACGTGGAGTCATAGGGCAGCTGCATGGGGTCCACGTAGATGTACTCATGGC[C>T]GTCAGAGCTCACAGACTCAATCACCTTCCATCGGATCTCGTAACGTGGCTTCTGGAGGAC-3'
Protein context (NP_002600.1, residues 566-586): WKVIESVSSD[Gly576Ser]HEYIYVDPMQ

ClinVar aggregate classification (germline): Uncertain significance (1 of 4 stars; one submission).

Conditions:
Skeletal overgrowth-craniofacial dysmorphism-hyperelastic skin-white matter lesions syndrome. Also called: SKELETAL OVERGROWTH WITH FACIAL DYSMORPHISM, HYPERELASTIC SKIN, WHITE MATTER LESIONS, AND NEUROLOGIC DETERIORATION; Kosaki overgrowth syndrome. Identifiers: Orphanet 477831, MedGen C4225270, MONDO:0014704, OMIM 616592.
Infantile myofibromatosis (IMF). Also called: Congenital generalized fibromatosis. Identifiers: Orphanet 2591, MedGen C0432284, MONDO:0016824.
Basal ganglia calcification, idiopathic, 4 (PFBC4). Also called: Familial Idiopathic Basal Ganglia Calcification 4; PRIMARY FAMILIAL BRAIN CALCIFICATION 4, AUTOSOMAL DOMINANT. Identifiers: Orphanet 1980, MedGen C3554321, MONDO:0014004, OMIM 615007.
Acroosteolysis-keloid-like lesions-premature aging syndrome. Also called: Premature aging syndrome, Penttinen type; Prematurely aged appearance, delayed bone maturation, acro-osteolysis, and brachydactyly; Progeroid syndrome, Penttinen type. Identifiers: Orphanet 363665, MedGen C1866182, MONDO:0011150, OMIM 601812.

gnomAD v4.1: 3 of 1,613,838 alleles (0.00019%); highest among the groups gnomAD compares: Non-Finnish European, 0.00025%; no homozygotes.

Submission:

Labcorp Genetics (formerly Invitae), Labcorp
Classification: Uncertain significance for Basal ganglia calcification, idiopathic, 4; Skeletal overgrowth-craniofacial dysmorphism-hyperelastic skin-white matter lesions syndrome; Infantile myofibromatosis; Acroosteolysis-keloid-like lesions-premature aging syndrome. Last evaluated: 2025-01-12. Review status: criteria provided, single submitter. Criteria: Invitae Variant Classification Sherloc (09022015). Collection method: clinical testing. Allele origin: germline.
Comment: This sequence change replaces glycine, which is neutral and non-polar, with serine, which is neutral and polar, at codon 576 of the PDGFRB protein (p.Gly576Ser). This variant is not present in population databases (gnomAD no frequency). This variant has not been reported in the literature in individuals affected with PDGFRB-related conditions. Invitae Evidence Modeling of protein sequence and biophysical properties (such as structural, functional, and spatial information, amino acid conservation, physicochemical variation, residue mobility, and thermodynamic stability) indicates that this missense variant is expected to disrupt PDGFRB protein function with a positive predictive value of 80%. In summary, the available evidence is currently insufficient to determine the role of this variant in disease. Therefore, it has been classified as a Variant of Uncertain Significance.